The following is an entry in ClinVar:

NM_000430.4(PAFAH1B1):c.844A>G (p.Ile282Val)

Gene: PAFAH1B1 (platelet activating factor acetylhydrolase 1b regulatory subunit 1; plus strand). Cytogenetic location: 17p13.3.
Variant type: single nucleotide variant.
Coding change: c.844A>G on transcript NM_000430.4 (MANE Select); coding-DNA position 844, A replaced by G.
Protein change: p.Ile282Val; replaces isoleucine 282 with valine.
Molecular consequence: missense variant.
Genome position (GRCh38, 1-based): chr17:2,674,232, A>G. VCF-style: chr17-2674232-A-G. GRCh37 (hg19) VCF-style: chr17-2577526-A-G.
Other names: short protein forms I282V.
Identifiers: ClinVar variation 1436416 (VCV001436416.8), dbSNP rs752776848, ClinGen allele CA8283262.

ClinVar aggregate classification (germline): Uncertain significance (1 of 4 stars; one submission).

Allele frequency attached by ClinVar (database versions not stated): gnomAD exomes below 0.00001 and 0.00001; TOPMed below 0.00001; ExAC 0.00001; gnomAD 0.00001.
gnomAD v4.1: 7 of 1,613,928 alleles (0.00043%); highest among the groups gnomAD compares: Non-Finnish European, 0.00059%; no homozygotes.

Submission:

Labcorp Genetics (formerly Invitae), Labcorp
Classification: Uncertain significance. Last evaluated: 2021-04-16. Review status: criteria provided, single submitter. Criteria: Invitae Variant Classification Sherloc (09022015). Collection method: clinical testing. Allele origin: germline.
Comment: The frequency data for this variant in the population databases is considered unreliable, as metrics indicate poor data quality at this position in the ExAC database. In summary, the available evidence is currently insufficient to determine the role of this variant in disease. Therefore, it has been classified as a Variant of Uncertain Significance. Algorithms developed to predict the effect of missense changes on protein structure and function (SIFT, PolyPhen-2, Align-GVGD) all suggest that this variant is likely to be tolerated, but these predictions have not been confirmed by published functional studies and their clinical significance is uncertain. This variant has not been reported in the literature in individuals with PAFAH1B1-related conditions. This sequence change replaces isoleucine with valine at codon 282 of the PAFAH1B1 protein (p.Ile282Val). The isoleucine residue is highly conserved and there is a small physicochemical difference between isoleucine and valine.